The following is an entry in ClinVar:

NM_003001.5(SDHC):c.405+1G>C

Gene: SDHC (succinate dehydrogenase complex subunit C; plus strand). Cytogenetic location: 1q23.3.
Variant type: single nucleotide variant.
Coding change: c.405+1G>C on transcript NM_003001.5 (MANE Select); the canonical splice donor site of the intron after coding-DNA position 405, G replaced by C.
Molecular consequence: splice donor variant. On other transcripts: intron variant (3).
Genome position (GRCh38, 1-based): chr1:161,356,841, G>C. VCF-style: chr1-161356841-G-C. GRCh37 (hg19) VCF-style: chr1-161326631-G-C.
Other names: c.294+1G>C (NM_001407119.1, NM_001407120.1); c.525+1G>C (NM_001407115.1); c.242-5488G>C (NM_001035511.3); c.303+1G>C (NM_001035512.3); c.140-5488G>C (NM_001278172.3); c.297+1G>C (NM_001407118.1); c.348+1G>C (NM_001407116.1); c.185-5488G>C (NM_001407121.1); and 2 more.
Identifiers: ClinVar variation 428934 (VCV000428934.14), dbSNP rs587776653, ClinGen allele CA343456782.

ClinVar aggregate classification (germline): Pathogenic. Review status: criteria provided, multiple submitters, no conflicts (2 of 4 stars). 3 submissions from 3 submitters: Pathogenic (3). Last evaluated 2024-12-18.

Conditions:
Hereditary cancer-predisposing syndrome. Also called: Neoplastic Syndromes, Hereditary; Hereditary Cancer Syndrome; Hereditary neoplastic syndrome; Tumor predisposition. Identifiers: Orphanet 140162, MedGen C0027672, MeSH D009386, MONDO:0015356.
Pheochromocytoma/paraganglioma syndrome 3. Also called: GLOMUS TUMORS, FAMILIAL, 3; Paragangliomas 3; SDHC-Related Hereditary Paraganglioma-Pheochromocytoma Syndrome (Paragangliomas 3); SDHC-Related Hereditary Paraganglioma-Pheochromocytoma Syndrome. Identifiers: Orphanet 29072, MedGen C1854336, MONDO:0011544, OMIM 605373.
Gastrointestinal stromal tumor. Also called: Gastrointestinal stroma tumor; Gastrointestinal stromal tumor, somatic. Identifiers: Orphanet 44890, MedGen C0238198, MeSH D046152, MONDO:0011719, OMIM 606764, HP:0100723.

gnomAD v4.1: 1 of 1,613,922 alleles (0.000062%); highest among the groups gnomAD compares: Non-Finnish European, 0.000085%; no homozygotes.

Submissions (3):

Ambry Genetics
Classification: Pathogenic for Hereditary cancer-predisposing syndrome. Last evaluated: 2024-12-18. Review status: criteria provided, single submitter. Criteria: Ambry Variant Classification Scheme 2023. Collection method: clinical testing. Allele origin: germline.
Comment: The c.405+1G>C intronic pathogenic mutation results from a G to C substitution one nucleotide after coding exon 5 of the SDHC gene. This variant was reported in individual(s) with features consistent with paraganglioma-pheochromocytoma syndrome (Else T et al. J Clin Endocrinol Metab, 2014 Aug;99:E1482-6). Other variant(s) impacting the same donor site (c.405+1G>T) have been identified in individual(s) with features consistent with paraganglioma-pheochromocytoma syndrome (Niemann S et al. Hum Genet, 2003 Jul;113:92-4; Schiavi F et al. JAMA, 2005 Oct;294:2057-63; Lefebvre S et al. Horm Metab Res, 2012 May;44:334-8). This nucleotide position is highly conserved in available vertebrate species. In silico splice site analysis predicts that c.405+1G>C will weaken the native splice donor site. RNA studies have demonstrated that this alteration results in abnormal splicing in the set of samples tested (Ambry internal data). This variant is considered to be rare based on population cohorts in the Genome Aggregation Database (gnomAD). Based on the supporting evidence, this variant is interpreted as a disease-causing mutation.

Myriad Genetics, Inc.
Classification: Pathogenic for Pheochromocytoma/paraganglioma syndrome 3. Last evaluated: 2024-02-08. Review status: criteria provided, single submitter. Criteria: Myriad Autosomal Dominant, Autosomal Recessive and X-Linked Classification Criteria (2023). Collection method: clinical testing. Allele origin: unknown.
Comment: This variant is considered pathogenic. This variant occurs within a consensus splice junction and is predicted to result in abnormal mRNA splicing of either an out-of-frame exon or an in-frame exon necessary for protein stability and/or normal function. This variant has been reported in multiple individuals with clinical features of gene-specific disease [PMID: 24758179, 12658451, 26173966, 17667967].

Labcorp Genetics (formerly Invitae), Labcorp
Classification: Pathogenic for Pheochromocytoma/paraganglioma syndrome 3; Gastrointestinal stromal tumor. Last evaluated: 2023-09-18. Review status: criteria provided, single submitter. Criteria: Invitae Variant Classification Sherloc (09022015). Collection method: clinical testing. Allele origin: germline.
Comment: ClinVar contains an entry for this variant (Variation ID: 428934). For these reasons, this variant has been classified as Pathogenic. Variants that disrupt the consensus splice site are a relatively common cause of aberrant splicing (PMID: 17576681, 9536098). Studies have shown that disruption of this splice site results in skipping of exon 5 and introduces a new termination codon (PMID: 12658451). However the mRNA is not expected to undergo nonsense-mediated decay. Disruption of this splice site has been observed in individuals with paraganglioma and/or gastrointestinal stromal tumors (PMID: 12658451, 17667967, 17804857, 21173220, 24402737, 24758179, 26173966). This variant is not present in population databases (gnomAD no frequency). This sequence change affects a donor splice site in intron 5 of the SDHC gene. RNA analysis indicates that disruption of this splice site induces altered splicing and likely disrupts the C-terminus of the protein.

Literature cited by the submitters: PubMed 12658451 (cited by 3 submitters); PubMed 16249420 (cited by Ambry Genetics); PubMed 22517554 (cited by Ambry Genetics); PubMed 24758179 (cited by 3 submitters); PubMed 26173966 (cited by Myriad Genetics, Inc. and Labcorp Genetics (formerly Invitae), Labcorp); PubMed 17667967 (cited by Myriad Genetics, Inc. and Labcorp Genetics (formerly Invitae), Labcorp); PubMed 17576681 (cited by Labcorp Genetics (formerly Invitae), Labcorp); PubMed 9536098 (cited by Labcorp Genetics (formerly Invitae), Labcorp); PubMed 17804857 (cited by Labcorp Genetics (formerly Invitae), Labcorp); PubMed 21173220 (cited by Labcorp Genetics (formerly Invitae), Labcorp); PubMed 24402737 (cited by Labcorp Genetics (formerly Invitae), Labcorp).